The following is an entry in ClinVar:

NM_031935.3(HMCN1):c.12951A>T (p.Arg4317Ser)

Gene: HMCN1 (hemicentin 1; plus strand). Cytogenetic location: 1q31.1.
Variant type: single nucleotide variant.
Coding change: c.12951A>T on transcript NM_031935.3 (MANE Select); coding-DNA position 12951, A replaced by T.
Protein change: p.Arg4317Ser; replaces arginine 4317 with serine.
Molecular consequence: missense variant.
Genome position (GRCh38, 1-based): chr1:186,130,012, A>T. VCF-style: chr1-186130012-A-T. GRCh37 (hg19) VCF-style: chr1-186099144-A-T.
Other names: short protein forms R4317S.
Identifiers: ClinVar variation 3621832 (VCV003621832.2).

ClinVar aggregate classification (germline): Uncertain significance (1 of 4 stars; one submission).

gnomAD v4.1: 4 of 1,613,124 alleles (0.00025%); highest among the groups gnomAD compares: African/African-American, 0.0053%; no homozygotes.

Submission:

Labcorp Genetics (formerly Invitae), Labcorp
Classification: Uncertain significance. Last evaluated: 2024-03-29. Review status: criteria provided, single submitter. Criteria: Invitae Variant Classification Sherloc (09022015). Collection method: clinical testing. Allele origin: germline.
Comment: This sequence change replaces arginine, which is basic and polar, with serine, which is neutral and polar, at codon 4317 of the HMCN1 protein (p.Arg4317Ser). This variant is present in population databases (rs755061769, gnomAD 0.02%). This variant has not been reported in the literature in individuals affected with HMCN1-related conditions. An algorithm developed to predict the effect of missense changes on protein structure and function (PolyPhen-2) suggests that this variant is likely to be disruptive. In summary, the available evidence is currently insufficient to determine the role of this variant in disease. Therefore, it has been classified as a Variant of Uncertain Significance.